The following is an entry in ClinVar:

NM_015662.3(IFT172):c.1167+5G>T

Gene: IFT172 (intraflagellar transport 172; minus strand). Cytogenetic location: 2p23.3.
Variant type: single nucleotide variant.
Coding change: c.1167+5G>T on transcript NM_015662.3 (MANE Select); 5 bases into the intron after coding-DNA position 1167, G replaced by T.
Molecular consequence: intron variant.
Genome position (GRCh38, 1-based): chr2:27,477,990, C>A on the plus strand (G>T on the coding strand, the complement: IFT172 is on the minus strand). VCF-style: chr2-27477990-C-A. GRCh37 (hg19) VCF-style: chr2-27700857-C-A.
Identifiers: ClinVar variation 1516800 (VCV001516800.6), dbSNP rs2148543947, ClinGen allele CA2573134438.
Genomic context (GRCh38, chr2:27,477,990, plus strand): 5'-GGGTCCCCACAAATATTAAGCCAAGATGCCCTATTCCCCACCCTACCCTCAATTTTGGTT[C>A]CTACCTCACTAAGCCGATTAGTGTTCAGGTCCCCCAGCAGCAGTGTTTCTGATGTGTGAG-3'

ClinVar aggregate classification (germline): Uncertain significance (1 of 4 stars; one submission).

Conditions:
Retinitis pigmentosa 71 (RP71). Identifiers: Orphanet 791, MedGen C4225342, MONDO:0014618, OMIM 616394.
Short-rib thoracic dysplasia 10 with or without polydactyly (SRTD10). Identifiers: Orphanet 474, MedGen C3810175, MONDO:0014284, OMIM 615630.

Submission:

Labcorp Genetics (formerly Invitae), Labcorp
Classification: Uncertain significance for Retinitis pigmentosa 71; Short-rib thoracic dysplasia 10 with or without polydactyly. Last evaluated: 2022-07-05. Review status: criteria provided, single submitter. Criteria: Invitae Variant Classification Sherloc (09022015). Collection method: clinical testing. Allele origin: germline.
Comment: This variant is not present in population databases (gnomAD no frequency). This sequence change falls in intron 11 of the IFT172 gene. It does not directly change the encoded amino acid sequence of the IFT172 protein. It affects a nucleotide within the consensus splice site. This variant has not been reported in the literature in individuals affected with IFT172-related conditions. In summary, the available evidence is currently insufficient to determine the role of this variant in disease. Therefore, it has been classified as a Variant of Uncertain Significance. Variants that disrupt the consensus splice site are a relatively common cause of aberrant splicing (PMID: 17576681, 9536098). Algorithms developed to predict the effect of sequence changes on RNA splicing suggest that this variant is not likely to affect RNA splicing. ClinVar contains an entry for this variant (Variation ID: 1516800).

Literature cited by the submitters: PubMed 17576681; PubMed 9536098.